The following is an entry in ClinVar:

ClinVar aggregate classification (germline): Benign/Likely benign. Review status: criteria provided, multiple submitters, no conflicts (2 of 4 stars). 5 submissions from 5 submitters: Benign (1); Likely benign (2). 2 of the submissions do not count toward it. Last evaluated 2026-01-27.

Allele frequency attached by ClinVar (database versions not stated): 1000 Genomes Project 30x 0.00094; 1000 Genomes Project 0.00120; ESP Exome Variant Server 0.00131; TOPMed 0.00138; ExAC 0.00335; gnomAD 0.00711.
gnomAD v4.1: 4,376 of 1,613,850 alleles (0.27%); highest among the groups gnomAD compares: Non-Finnish European, 0.22%; 37 homozygotes.

Submissions (5):

Labcorp Genetics (formerly Invitae), Labcorp
Classification: Benign. Last evaluated: 2026-01-27. Review status: criteria provided, single submitter. Criteria: Invitae Variant Classification Sherloc (09022015). Collection method: clinical testing. Allele origin: germline.

CeGaT Center for Human Genetics Tuebingen
Classification: Likely benign. Last evaluated: 2025-01-01. Review status: criteria provided, single submitter. Criteria: CeGaT Center For Human Genetics Tuebingen Variant Classification Criteria Version 2. Collection method: clinical testing. Allele origin: germline. Affected: yes. Observed: 4 variant alleles.
Comment: TTLL5: BP4, BP7

Breakthrough Genomics
Classification: Likely benign. Review status: criteria provided, single submitter. Criteria: ACMG Guidelines, 2015. Collection method: not provided. Allele origin: germline. Inheritance: Autosomal recessive inheritance. Affected: yes.

Clinical Genetics DNA and cytogenetics Diagnostics Lab, Erasmus MC, Erasmus Medical Center
Classification: Likely benign. Review status: no assertion criteria provided. Collection method: clinical testing. Allele origin: germline. Affected: yes. Study: VKGL Data-share Consensus. Not counted in ClinVar's aggregate classification.

Clinical Genetics, Academic Medical Center
Classification: Benign. Review status: no assertion criteria provided. Collection method: clinical testing. Allele origin: germline. Affected: yes. Study: VKGL Data-share Consensus. Not counted in ClinVar's aggregate classification.

NM_015072.5(TTLL5):c.1773C>T (p.Val591=)

Gene: TTLL5 (tubulin tyrosine ligase like 5; plus strand). Cytogenetic location: 14q24.3.
Variant type: single nucleotide variant.
Coding change: c.1773C>T on transcript NM_015072.5 (MANE Select); coding-DNA position 1773, C replaced by T.
Protein change: p.Val591=; no amino-acid change (valine 591 retained).
Molecular consequence: synonymous variant.
Genome position (GRCh38, 1-based): chr14:75,766,126, C>T. VCF-style: chr14-75766126-C-T. GRCh37 (hg19) VCF-style: chr14-76232469-C-T.
Identifiers: ClinVar variation 717462 (VCV000717462.46), dbSNP rs61741261, ClinGen allele CA7279532.